The following is an entry in ClinVar:

NM_001035.3(RYR2):c.7825-1G>A

Gene: RYR2 (ryanodine receptor 2; plus strand). Cytogenetic location: 1q43.
Variant type: single nucleotide variant.
Coding change: c.7825-1G>A on transcript NM_001035.3 (MANE Select); the canonical splice acceptor site of the intron before coding-DNA position 7825, G replaced by A.
Molecular consequence: splice acceptor variant.
Genome position (GRCh38, 1-based): chr1:237,654,273, G>A. VCF-style: chr1-237654273-G-A. GRCh37 (hg19) VCF-style: chr1-237817573-G-A.
Identifiers: ClinVar variation 2763301 (VCV002763301.3), dbSNP rs2547069947, ClinGen allele CA345400059.

ClinVar aggregate classification (germline): Uncertain significance (1 of 4 stars; one submission).

Conditions:
Catecholaminergic polymorphic ventricular tachycardia 1. Also called: RYR2-Related Catecholaminergic Polymorphic Ventricular Tachycardia; VENTRICULAR TACHYCARDIA, STRESS-INDUCED POLYMORPHIC 1; VENTRICULAR TACHYCARDIA, CATECHOLAMINERGIC POLYMORPHIC, 1, WITH OR WITHOUT ATRIAL DYSFUNCTION AND/OR DILATED CARDIOMYOPATHY. Identifiers: Orphanet 3286, MedGen C1631597, MONDO:0011484, OMIM 604772.

Allele frequency attached by ClinVar (database versions not stated): gnomAD exomes below 0.00001.
gnomAD v4.1: 1 of 1,613,562 alleles (0.000062%); highest among the groups gnomAD compares: Non-Finnish European, 0.000085%; no homozygotes.

Submission:

Labcorp Genetics (formerly Invitae), Labcorp
Classification: Uncertain significance for Catecholaminergic polymorphic ventricular tachycardia 1. Last evaluated: 2024-10-04. Review status: criteria provided, single submitter. Criteria: Invitae Variant Classification Sherloc (09022015). Collection method: clinical testing. Allele origin: germline.
Comment: This sequence change affects an acceptor splice site in intron 51 of the RYR2 gene. It is expected to disrupt RNA splicing. Variants that disrupt the donor or acceptor splice site typically lead to a loss of protein function (PMID: 16199547), however the current clinical and genetic evidence is not sufficient to establish whether loss-of-function variants in RYR2 cause disease. This variant is not present in population databases (gnomAD no frequency). This variant has not been reported in the literature in individuals affected with RYR2-related conditions. Algorithms developed to predict the effect of sequence changes on RNA splicing suggest that this variant may disrupt the consensus splice site. In summary, the available evidence is currently insufficient to determine the role of this variant in disease. Therefore, it has been classified as a Variant of Uncertain Significance.

Literature cited by the submitters: PubMed 16199547.